The following is an entry in ClinVar:

ClinVar aggregate classification (germline): Pathogenic (1 of 4 stars; one submission).

Conditions:
Mucolipidosis type IV (ML4). Also called: ML IV. Identifiers: Orphanet 578, MedGen C0238286, MONDO:0009653, OMIM 252650.

Submission:

Labcorp Genetics (formerly Invitae), Labcorp
Classification: Pathogenic for Mucolipidosis type IV. Last evaluated: 2024-08-14. Review status: criteria provided, single submitter. Criteria: Invitae Variant Classification Sherloc (09022015). Collection method: clinical testing. Allele origin: germline.
Comment: This sequence change results in a frameshift in the MCOLN1 gene (p.Met473Valfs*134). While this is not anticipated to result in nonsense mediated decay, it is expected to disrupt the last 108 amino acid(s) of the MCOLN1 protein and extend the protein by 25 additional amino acid residues. This variant is not present in population databases (gnomAD no frequency). This variant has not been reported in the literature in individuals affected with MCOLN1-related conditions. ClinVar contains an entry for this variant (Variation ID: 2101897). This variant disrupts a region of the MCOLN1 protein in which other variant(s) (p.Ile524Serfs*56) have been determined to be pathogenic (internal data). This suggests that this is a clinically significant region of the protein, and that variants that disrupt it are likely to be disease-causing. For these reasons, this variant has been classified as Pathogenic.

NM_020533.3(MCOLN1):c.1417_1418del (p.Met473fs)

Gene: MCOLN1 (mucolipin TRP cation channel 1; plus strand). Cytogenetic location: 19p13.2.
Variant type: Deletion.
Coding change: c.1417_1418del on transcript NM_020533.3 (MANE Select); coding-DNA positions 1417 to 1418, 2 bases deleted (AT; older notation c.1417_1418delAT).
Protein change: p.Met473fs; shifts the reading frame from methionine 473.
Molecular consequence: frameshift variant.
Genome position (GRCh38, 1-based): chr19:7,530,343-7,530,344, AT deleted. VCF-style (leftmost placement, unchanged base first): chr19-7530342-CAT-C. GRCh37 (hg19) VCF-style: chr19-7595228-CAT-C.
Other names: short protein forms M473fs.
Identifiers: ClinVar variation 2101897 (VCV002101897.4), dbSNP rs2512474348, ClinGen allele CA2580097071.